The following is an entry in ClinVar:

NM_001171.6(ABCC6):c.2934T>C (p.Gly978=)

Gene: ABCC6 (ATP binding cassette subfamily C member 6; minus strand). Cytogenetic location: 16p13.11.
Variant type: single nucleotide variant.
Coding change: c.2934T>C on transcript NM_001171.6 (MANE Select); coding-DNA position 2934, T replaced by C.
Protein change: p.Gly978=; no amino-acid change (glycine 978 retained).
Molecular consequence: synonymous variant. On other transcripts: non-coding transcript variant (1).
Genome position (GRCh38, 1-based): chr16:16,169,707, A>G on the plus strand (T>C on the coding strand, the complement: ABCC6 is on the minus strand). VCF-style: chr16-16169707-A-G. GRCh37 (hg19) VCF-style: chr16-16263564-A-G.
Other names: c.2592T>C, p.Gly864= (NM_001351800.1); c.2934T>C (NM_001171.5).
Identifiers: ClinVar variation 1674809 (VCV001674809.9), dbSNP rs748551497, ClinGen allele CA7925744.

ClinVar aggregate classification (germline): Likely benign. Review status: criteria provided, multiple submitters, no conflicts (2 of 4 stars). 2 submissions from 2 submitters: Likely benign (2). Last evaluated 2026-04-23.

Conditions:
ABCC6-related disorder. Also called: ABCC6-related condition.

Allele frequency attached by ClinVar (database versions not stated): gnomAD exomes 0.00002; ExAC 0.00003.
gnomAD v4.1: 6 of 1,611,352 alleles (0.00037%); highest among the groups gnomAD compares: Admixed American, 0.01%; no homozygotes.

Submissions (2):

PreventionGenetics, part of Exact Sciences
Classification: Likely benign for ABCC6-related condition. Last evaluated: 2026-04-23. Review status: criteria provided, single submitter. Criteria: ACMG Guidelines, 2015. Collection method: clinical testing. Allele origin: germline.
Comment: This variant is classified as likely benign based on ACMG/AMP sequence variant interpretation guidelines (Richards et al. 2015 PMID: 25741868, with internal and published modifications).

Labcorp Genetics (formerly Invitae), Labcorp
Classification: Likely benign. Last evaluated: 2022-08-22. Review status: criteria provided, single submitter. Criteria: Invitae Variant Classification Sherloc (09022015). Collection method: clinical testing. Allele origin: germline.